The following is an entry in ClinVar:

NM_000059.4(BRCA2):c.1813dup (p.Ile605fs)

Gene: BRCA2 (BRCA2 DNA repair associated; plus strand). Cytogenetic location: 13q13.1.
Variant type: Duplication.
Coding change: c.1813dup on transcript NM_000059.4 (MANE Select); coding-DNA position 1813, one base duplicated (A; older notation c.1813dupA).
Protein change: p.Ile605fs; shifts the reading frame from isoleucine 605.
Molecular consequence: frameshift variant.
Genome position (GRCh38, 1-based): chr13:32,333,291, A duplicated; the last of 8 consecutive A bases (chr13:32,333,284-32,333,291); duplicating any one gives the same sequence. VCF-style (leftmost placement, unchanged base first): chr13-32333283-G-GA. GRCh37 (hg19) VCF-style: chr13-32907420-G-GA.
Other names: 2034insA; 2041_2042insA; p.Ile605AsnfsX11; 2041insA; 2040insA; c.1806dupA (NM_000059.3); c.1813dupA (NM_000059.3); short protein forms I605fs.
Identifiers: ClinVar variation 37762 (VCV000037762.150), dbSNP rs80359306, ClinGen allele CA013353.

ClinVar aggregate classification (germline): Pathogenic. Review status: reviewed by expert panel (3 of 4 stars). 62 submissions from 58 submitters: Pathogenic (1). 61 of the submissions do not count toward it. Last evaluated 2016-04-22.
ClinVar aggregate classification (oncogenicity): Oncogenic (1 of 4 stars; one submission).

Conditions:
Hereditary breast ovarian cancer syndrome. Also called: Hereditary breast and ovarian cancer; Breast and ovarian cancer; Hereditary breast and/or ovarian cancer syndrome; BRCA1- and BRCA2-Associated Hereditary Breast and Ovarian Cancer; Hereditary breast and ovarian cancer syndrome; Hereditary breast and ovarian cancer syndrome (HBOC). Identifiers: Orphanet 145, MedGen C0677776, MeSH D061325, MONDO:0003582. Disease mechanism: loss of function.
Fanconi anemia complementation group D1. Also called: BRCA2-Related Fanconi Anemia. Identifiers: Orphanet 319462, MedGen C1838457, MONDO:0011584, OMIM 605724.
Inherited ovarian cancer (without breast cancer).
Inherited breast cancer and ovarian cancer.
BRCA2-related cancer predisposition. Identifiers: MedGen CN377758, MONDO:0700269.
Glioma susceptibility 3 (GLM3). Also called: Glioblastoma 3. Identifiers: Orphanet 182067, Orphanet 360, MedGen C2751641, MONDO:0013093, OMIM 613029.
Familial prostate cancer. Also called: Hereditary Prostate Cancer. Identifiers: MedGen C2931456, MONDO:0700275, OMIM 176807.
Pancreatic cancer, susceptibility to, 2. Identifiers: Orphanet 1333, MedGen C3150546, MONDO:0013235, OMIM 613347.
Medulloblastoma (MDB). Also called: Medulloblastoma, somatic; MEDULLOBLASTOMA PREDISPOSITION SYNDROME. Identifiers: Orphanet 616, MedGen C0025149, MeSH D008527, MONDO:0007959, OMIM 155255, HP:0002885.
Breast-ovarian cancer, familial, susceptibility to, 2 (BROVCA2). Also called: BRCA2 Hereditary Breast and Ovarian Cancer. Identifiers: Orphanet 145, MedGen C2675520, MONDO:0012933, OMIM 612555. Disease mechanism: loss of function.
Familial cancer of breast. Also called: Hereditary breast cancer; hereditary breast carcinoma; BREAST CANCER, FAMILIAL. Identifiers: Orphanet 227535, MedGen C0346153, MONDO:0016419, OMIM 114480. Disease mechanism: loss of function.
Wilms tumor 1 (WT1). Also called: Wilms tumor, somatic. Identifiers: Orphanet 654, MedGen CN033288, MONDO:0008679, OMIM 194070.
BRCA2-related disorder. Also called: BRCA2-related condition; BRCA2-related disorders. Identifiers: MedGen CN239275.
Breast and/or ovarian cancer. Identifiers: MedGen CN221562.
Hereditary cancer-predisposing syndrome. Also called: Neoplastic Syndromes, Hereditary; Tumor predisposition; Hereditary Cancer Syndrome; Hereditary neoplastic syndrome. Identifiers: Orphanet 140162, MedGen C0027672, MeSH D009386, MONDO:0015356.
Carcinoma of pancreas. Also called: Exocrine pancreatic carcinoma; PANCREATIC ACINAR CARCINOMA; PANCREATIC CARCINOMA; Pancreatic cancer, somatic; Pancreatic carcinoma, somatic. Identifiers: Orphanet 1333, Orphanet 217074, MedGen C0235974, MONDO:0005192. Disease mechanism: loss of function.
Breast-ovarian cancer, familial, susceptibility to, 1 (BROVCA1). Also called: BRCA1 Hereditary Breast and Ovarian Cancer; OVARIAN CANCER, SUSCEPTIBILITY TO. Identifiers: Orphanet 145, MedGen C2676676, MONDO:0011450, OMIM 604370. Disease mechanism: loss of function.
Breast carcinoma. Also called: Carcinoma of breast. Identifiers: MedGen C0678222, MONDO:0004989, HP:0003002.
Neoplasm. Also called: Neoplasms; Neoplasm (disease); tumor. Identifiers: MedGen C0027651, MeSH D009369, MONDO:0005070, HP:0002664.

Submissions 1 to 9 of 63:

Evidence-based Network for the Interpretation of Germline Mutant Alleles (ENIGMA)
Classification: Pathogenic for Breast-ovarian cancer, familial, susceptibility to, 2. Last evaluated: 2016-04-22. Review status: reviewed by expert panel. Criteria: ENIGMA BRCA1/2 Classification Criteria (2015). Collection method: curation. Allele origin: germline.
Comment: Variant allele predicted to encode a truncated non-functional protein.

Genetics Laboratory, Great Ormond Street Hospital NHS Foundation Trust, North Thames Genomic Laboratory Hub
Classification: Pathogenic for Inherited ovarian cancer (without breast cancer). Last evaluated: 2026-09-11. Review status: criteria provided, single submitter. Criteria: CanVIG BRCA Gene Specific V1.22. Collection method: clinical testing. Allele origin: germline. Affected: yes. Not counted in ClinVar's aggregate classification.
Comment: PS4_moderate, PM2_supporting, PVS1_very-strong, PM5_strong

PreventionGenetics, part of Exact Sciences
Classification: Pathogenic for BRCA2-related condition. Last evaluated: 2026-07-21. Review status: criteria provided, single submitter. Criteria: ACMG Guidelines, 2015. Collection method: clinical testing. Allele origin: germline. Not counted in ClinVar's aggregate classification.
Comment: The BRCA2 c.1813dupA variant is predicted to result in a frameshift and premature protein termination (p.Ile605Asnfs*11). This variant, alternatively described as 1813insA, 2041dupA, or 2041insA, has been documented in individuals with a personal and/or family history of cancers in the HBOPP syndrome (hereditary breast, ovarian, prostate, and pancreatic cancer) spectrum (Son et al. 2012. PubMed ID: 22382806; Pitiot et al. 2024. PubMed ID: 38922859; Zhang et al. 2011. PubMed ID: 21324516; Kote-Jarai et al. 2011. PubMed ID: 21952622). Additionally, this variant has been noted in combination with a second BRCA2 variant in individuals with Fanconi anemia (Radulovic et al. 2023. PubMed ID: 36721989; Myers et al. 2012. PubMed ID: 21548014). This variant is reported in 0.0066% of alleles in individuals of African descent in gnomAD and is classified as pathogenic by an expert panel in ClinVar (Variation ID: 37762). Experimental studies indicate this variant disrupts BRCA2 function (Becker et al. 2012. PubMed ID: 22729890). Frameshift variants in BRCA2 are expected to be pathogenic. This variant is interpreted as pathogenic.

Institute of Human Genetics, University of Leipzig Medical Center
Classification: Pathogenic for Breast-ovarian cancer, familial, susceptibility to, 2. Last evaluated: 2026-04-27. Review status: criteria provided, single submitter. Criteria: ACMG Guidelines, 2015. Collection method: clinical testing. Allele origin: unknown. Inheritance: Autosomal dominant inheritance. Affected: yes. Not counted in ClinVar's aggregate classification.
Comment: Criteria applied: PVS1,PS4,PM5_STR,PP4_STR,PM3

Genetics Laboratory, Great Ormond Street Hospital NHS Foundation Trust, North Thames Genomic Laboratory Hub
Classification: Pathogenic for Inherited breast cancer and ovarian cancer. Last evaluated: 2026-02-06. Review status: criteria provided, single submitter. Criteria: CanVIG BRCA Gene Specific V1.22. Collection method: clinical testing. Allele origin: germline. Affected: yes. Not counted in ClinVar's aggregate classification.
Comment: the same text as in the submission from Genetics Laboratory, Great Ormond Street Hospital NHS Foundation Trust, North Thames Genomic Laboratory Hub above.

Labcorp Genetics (formerly Invitae), Labcorp
Classification: Pathogenic for Hereditary breast ovarian cancer syndrome. Last evaluated: 2026-01-24. Review status: criteria provided, single submitter. Criteria: Invitae Variant Classification Sherloc (09022015). Collection method: clinical testing. Allele origin: germline. Not counted in ClinVar's aggregate classification.
Comment: This sequence change creates a premature translational stop signal (p.Ile605Asnfs*11) in the BRCA2 gene. It is expected to result in an absent or disrupted protein product. Loss-of-function variants in BRCA2 are known to be pathogenic (PMID: 20104584). The frequency data for this variant in the population databases is considered unreliable, as metrics indicate poor data quality at this position in the gnomAD database. This premature translational stop signal has been observed in individual(s) with breast, ovarian, and prostate cancer (PMID: 9150150, 21324516, 21952622, 22535016, 22729890). It has also been observed to segregate with disease in related individuals. This variant is also known as 1813insA, 2041insA, and 2034insA. ClinVar contains an entry for this variant (Variation ID: 37762). For these reasons, this variant has been classified as Pathogenic.

Center for Genomic Medicine, Rigshospitalet, Copenhagen University Hospital
Classification: Oncogenic for Neoplasm. Last evaluated: 2025-12-29. Review status: criteria provided, single submitter. Criteria: ClinGen/CGC/VICC Guidelines for Oncogenicity, 2022. Collection method: clinical testing. Allele origin: somatic. Affected: yes.

Dasa
Classification: Pathogenic for Breast-ovarian cancer, familial, susceptibility to, 2. Last evaluated: 2025-10-22. Review status: criteria provided, single submitter. Criteria: DASA Assertion Criteria. Collection method: clinical testing. Allele origin: germline. Not counted in ClinVar's aggregate classification.
Comment: NM_000059.4(BRCA2):c.1813dup (p.Ile605AsnfsTer11) is a frameshift variant in BRCA2 predicted to alter the reading frame and introduce a premature termination codon and is predicted to result in an absent or altered protein product. Loss of function is an established disease mechanism for BRCA2 (PMID: 16199546; PMID: 17063271; PMID: 25632310). The affected residue or protein region has prior evidence supporting clinical relevance. This variant has been recurrently observed in individuals with BRCA2-related disorders (PMID: 33471991; PMID: 9150150; PMID: 21952622; PMID: 34504103). Also, this variant is rare in population databases. Based on the currently available evidence, this variant is classified as pathogenic.

Genetic Services Laboratory, University of Chicago
Classification: Pathogenic. Last evaluated: 2025-10-13. Review status: criteria provided, single submitter. Criteria: ACMG Guidelines, 2015. Collection method: clinical testing. Allele origin: germline. Not counted in ClinVar's aggregate classification.
Comment: The c.1813dup variant: Results in an amino acid frameshift and creates a premature stop codon 11 amino acids downstream of the change, p.Ile605Asnfs*11. Is predicted to result in an abnormal transcript, which may be degraded, or may lead to the production of a truncated BRCA2 protein with potentially abnormal function. Has previously been described in several individuals with BRCA2-related cancers, including breast, ovarian, and prostate cancer (PMID: 9150150, 21324516, 21952622, 22535016, 22729890). Is reported in the gnomAD v4 database with a frequency of 0.001% in the overall population (dbSNP rs1253401667). ClinVar contains an entry for this variant (Variation ID: 37762). Collectively this evidence indicates that this variant is pathogenic; however functional studies have not been performed to prove this conclusively.